The following is an entry in ClinVar:

ClinVar aggregate classification (germline): Uncertain significance. Review status: criteria provided, multiple submitters, no conflicts (2 of 4 stars). 2 submissions from 2 submitters: Uncertain significance (2). Last evaluated 2024-02-24.

Conditions:
Acromelic frontonasal dysostosis (AFND). Identifiers: Orphanet 1827, MedGen C1863616, MONDO:0011359, OMIM 603671.
Neurodevelopmental disorder with movement abnormalities, abnormal gait, and autistic features. Identifiers: MedGen C4693405, MONDO:0060642, OMIM 617865.

Submissions (2):

Labcorp Genetics (formerly Invitae), Labcorp
Classification: Uncertain significance. Last evaluated: 2024-02-24. Review status: criteria provided, single submitter. Criteria: Invitae Variant Classification Sherloc (09022015). Collection method: clinical testing. Allele origin: germline.
Comment: This variant, c.79_96dup, results in the insertion of 6 amino acid(s) of the ZSWIM6 protein (p.Ser27_Gly32dup), but otherwise preserves the integrity of the reading frame. The frequency data for this variant in the population databases is considered unreliable, as metrics indicate poor data quality at this position in the gnomAD database. This variant has not been reported in the literature in individuals affected with ZSWIM6-related conditions. ClinVar contains an entry for this variant (Variation ID: 1472897). Experimental studies and prediction algorithms are not available or were not evaluated, and the functional significance of this variant is currently unknown. In summary, the available evidence is currently insufficient to determine the role of this variant in disease. Therefore, it has been classified as a Variant of Uncertain Significance.

Fulgent Genetics
Classification: Uncertain significance for Acromelic frontonasal dysostosis; Neurodevelopmental disorder with movement abnormalities, abnormal gait, and autistic features. Last evaluated: 2022-02-27. Review status: criteria provided, single submitter. Criteria: ACMG Guidelines, 2015. Collection method: clinical testing. Allele origin: unknown.

NM_020928.2(ZSWIM6):c.79_96dup (p.Ser27_Gly32dup)

Gene: ZSWIM6 (zinc finger SWIM-type containing 6; plus strand). Cytogenetic location: 5q12.1.
Variant type: Duplication.
Coding change: c.79_96dup on transcript NM_020928.2 (MANE Select); coding-DNA positions 79 to 96, 18 bases duplicated (AGCAGCGGCGGCGGCGGC).
Protein change: p.Ser27_Gly32dup.
Molecular consequence: inframe insertion.
Genome position (GRCh38, 1-based): chr5:61,332,351-61,332,368, AGCAGCGGCGGCGGCGGC duplicated; duplicating any 18 consecutive bases within chr5:61,332,348-61,332,368 gives the same sequence; the c. name uses the placement nearest the transcript's 3' end. VCF-style (leftmost placement, unchanged base first): chr5-61332347-G-GGGCAGCAGCGGCGGCGGC. GRCh37 (hg19) VCF-style: chr5-60628174-G-GGGCAGCAGCGGCGGCGGC.
Identifiers: ClinVar variation 1472897 (VCV001472897.9), dbSNP rs1554028299, ClinGen allele CA559984877.